The following is an entry in ClinVar:

ClinVar aggregate classification (germline): Uncertain significance (1 of 4 stars; one submission).

Conditions:
Singleton-Merten syndrome 1 (SGMRT1). Also called: Widened medullary cavities of bone, aortic calcification, abnormal dentition, and muscular weakness; Syndrome of widened medullary cavities of the metacarpals and phalanges, aortic calcification and abnormal dentition. Identifiers: Orphanet 85191, MedGen C4225427, MONDO:0024535, OMIM 182250.
Aicardi-Goutieres syndrome 7 (AGS7). Identifiers: Orphanet 51, MedGen C3888244, MONDO:0014367, OMIM 615846.

Allele frequency attached by ClinVar (database versions not stated): gnomAD exomes 0.00001; TOPMed 0.00005; ExAC 0.00002.
gnomAD v4.1: 17 of 1,614,056 alleles (0.0011%); highest among the groups gnomAD compares: Admixed American, 0.005%; no homozygotes.

Submission:

Labcorp Genetics (formerly Invitae), Labcorp
Classification: Uncertain significance for Aicardi-Goutieres syndrome 7; Singleton-Merten syndrome 1. Last evaluated: 2025-01-31. Review status: criteria provided, single submitter. Criteria: Invitae Variant Classification Sherloc (09022015). Collection method: clinical testing. Allele origin: germline.
Comment: This sequence change replaces serine, which is neutral and polar, with leucine, which is neutral and non-polar, at codon 106 of the IFIH1 protein (p.Ser106Leu). This variant is present in population databases (rs764380346, gnomAD 0.003%). This variant has not been reported in the literature in individuals affected with IFIH1-related conditions. ClinVar contains an entry for this variant (Variation ID: 576480). Invitae Evidence Modeling of protein sequence and biophysical properties (such as structural, functional, and spatial information, amino acid conservation, physicochemical variation, residue mobility, and thermodynamic stability) has been performed for this missense variant. However, the output from this modeling did not meet the statistical confidence thresholds required to predict the impact of this variant on IFIH1 protein function. In summary, the available evidence is currently insufficient to determine the role of this variant in disease. Therefore, it has been classified as a Variant of Uncertain Significance.

NM_022168.4(IFIH1):c.317C>T (p.Ser106Leu)

Gene: IFIH1 (interferon induced with helicase C domain 1; minus strand). Cytogenetic location: 2q24.2.
Variant type: single nucleotide variant.
Coding change: c.317C>T on transcript NM_022168.4 (MANE Select); coding-DNA position 317, C replaced by T.
Protein change: p.Ser106Leu; replaces serine 106 with leucine.
Molecular consequence: missense variant.
Genome position (GRCh38, 1-based): chr2:162,317,991, G>A on the plus strand (C>T on the coding strand, the complement: IFIH1 is on the minus strand). VCF-style: chr2-162317991-G-A. GRCh37 (hg19) VCF-style: chr2-163174501-G-A.
Other names: c.317C>T, p.Ser106Leu (LRG_1235t1); short protein forms S106L.
Identifiers: ClinVar variation 576480 (VCV000576480.6), dbSNP rs764380346, ClinGen allele CA1934855.
Genomic context (GRCh38, chr2:162,317,991, plus strand): 5'-ACCAGAGTGGGCTGAAGGAGGTTCAGCAGTTGGAGATATTCATCATGAGCGTTCTCAAAC[G>A]ATGGAGAGGGCAAGTCCGTGAGCTCAGGGTTCATGTAGCGGGCGGCCAGAGGGCTGCCGG-3'
Protein context (NP_071451.2, residues 96-116): NPELTDLPSP[Ser106Leu]FENAHDEYLQ